The following is an entry in ClinVar:

ClinVar aggregate classification (germline): other (0 of 4 stars; one submission).

Conditions:
Familial colorectal cancer. Identifiers: MedGen CN280943, MONDO:0023113. Disease mechanism: loss of function.

Submission:

Systems Biology Platform Zhejiang California International NanoSystems Institute
Classification: other for Familial colorectal cancer. Review status: no assertion criteria provided. Collection method: not provided. Allele origin: unknown.
ClinVar note: Converted during submission from cancer to other.

NM_000038.6(APC):c.2404G>T (p.Asp802Tyr)

Gene: APC (APC regulator of WNT signaling pathway; plus strand). Cytogenetic location: 5q22.2.
Variant type: single nucleotide variant.
Coding change: c.2404G>T on transcript NM_000038.6 (MANE Select); coding-DNA position 2404, G replaced by T.
Protein change: p.Asp802Tyr; replaces aspartic acid 802 with tyrosine.
Molecular consequence: missense variant.
Genome position (GRCh38, 1-based): chr5:112,837,998, G>T. VCF-style: chr5-112837998-G-T. GRCh37 (hg19) VCF-style: chr5-112173695-G-T.
Other names: c.2404G>T, p.Asp802Tyr (NM_001127510.3, NM_001354895.2); c.2350G>T, p.Asp784Tyr (NM_001127511.3); c.2458G>T, p.Asp820Tyr (NM_001354896.2); c.2434G>T, p.Asp812Tyr (NM_001354897.2); c.2329G>T, p.Asp777Tyr (NM_001354898.2); c.2320G>T, p.Asp774Tyr (NM_001354899.2); c.2281G>T, p.Asp761Tyr (NM_001354900.2); c.2227G>T, p.Asp743Tyr (NM_001354901.2); and 5 more; short protein forms D784Y, D802Y, D519Y, D642Y, D701Y, D711Y, D743Y, D761Y.
Identifiers: ClinVar variation 83236 (VCV000083236.2), dbSNP rs79853077, ClinGen allele CA007415.